The following is an entry in ClinVar:

NM_004370.6(COL12A1):c.6814G>A (p.Val2272Ile)

Gene: COL12A1 (collagen type XII alpha 1 chain; minus strand). Cytogenetic location: 6q13.
Variant type: single nucleotide variant.
Coding change: c.6814G>A on transcript NM_004370.6 (MANE Select); coding-DNA position 6814, G replaced by A.
Protein change: p.Val2272Ile; replaces valine 2272 with isoleucine.
Molecular consequence: missense variant.
Genome position (GRCh38, 1-based): chr6:75,124,005, C>T on the plus strand (G>A on the coding strand, the complement: COL12A1 is on the minus strand). VCF-style: chr6-75124005-C-T. GRCh37 (hg19) VCF-style: chr6-75833721-C-T.
Other names: c.3322G>A, p.Val1108Ile (NM_080645.3); short protein forms V2272I, V1108I.
Identifiers: ClinVar variation 950873 (VCV000950873.10), dbSNP rs1158867383, ClinGen allele CA364728449.
Genomic context (GRCh38, chr6:75,124,005, plus strand): 5'-TACTGGTATGTTCTTTAACAGAGACTCCTGGTCCCTCGAGATTTGGTGTCTGCACAAAAA[C>T]AGTGACACCATAATCAGTGTCTGGTGAAAGGCCAGTGAAGCAGTGACTGGTTTCTGATCC-3'
Protein context (NP_004361.3, residues 2262-2282): LSPDTDYGVT[Val2272Ile]FVQTPNLEGP

ClinVar aggregate classification (germline): Uncertain significance (1 of 4 stars; one submission).

Conditions:
Ullrich congenital muscular dystrophy 2 (UCMD2). Identifiers: Orphanet 75840, MedGen C4225314, MONDO:0014654, OMIM 616470.
Bethlem myopathy 2 (BTHLM2). Identifiers: Orphanet 536516, Orphanet 610, MedGen C4225313, MONDO:0034022, OMIM 616471.

Allele frequency attached by ClinVar (database versions not stated): gnomAD exomes below 0.00001; TOPMed below 0.00001; gnomAD 0.00001.
gnomAD v4.1: 3 of 1,613,768 alleles (0.00019%); highest among the groups gnomAD compares: African/African-American, 0.0013%; no homozygotes.

Submission:

Labcorp Genetics (formerly Invitae), Labcorp
Classification: Uncertain significance for Bethlem myopathy 2; Ullrich congenital muscular dystrophy 2. Last evaluated: 2024-02-24. Review status: criteria provided, single submitter. Criteria: Invitae Variant Classification Sherloc (09022015). Collection method: clinical testing. Allele origin: germline.
Comment: This sequence change replaces valine, which is neutral and non-polar, with isoleucine, which is neutral and non-polar, at codon 2272 of the COL12A1 protein (p.Val2272Ile). This variant is present in population databases (no rsID available, gnomAD 0.006%). This variant has not been reported in the literature in individuals affected with COL12A1-related conditions. ClinVar contains an entry for this variant (Variation ID: 950873). Advanced modeling of protein sequence and biophysical properties (such as structural, functional, and spatial information, amino acid conservation, physicochemical variation, residue mobility, and thermodynamic stability) performed at Invitae indicates that this missense variant is not expected to disrupt COL12A1 protein function with a negative predictive value of 80%. In summary, the available evidence is currently insufficient to determine the role of this variant in disease. Therefore, it has been classified as a Variant of Uncertain Significance.